The following is an entry in ClinVar:

NM_005476.7(GNE):c.1831G>A (p.Val611Met)

Gene: GNE (glucosamine (UDP-N-acetyl)-2-epimerase/N-acetylmannosamine kinase; minus strand). Cytogenetic location: 9p13.3.
Variant type: single nucleotide variant.
Coding change: c.1831G>A on transcript NM_005476.7 (MANE Select); coding-DNA position 1831, G replaced by A.
Protein change: p.Val611Met; replaces valine 611 with methionine.
Molecular consequence: missense variant.
Genome position (GRCh38, 1-based): chr9:36,218,285, C>T on the plus strand (G>A on the coding strand, the complement: GNE is on the minus strand). VCF-style: chr9-36218285-C-T. GRCh37 (hg19) VCF-style: chr9-36218282-C-T.
Other names: c.1924G>A, p.Val642Met (NM_001128227.3); c.1609G>A, p.Val537Met (NM_001190383.3); c.1501G>A, p.Val501Met (NM_001190384.3); c.1654G>A, p.Val552Met (NM_001190388.2, NM_001374798.1); c.1678G>A, p.Val560Met (NM_001374797.1); short protein forms V501M, V552M, V560M, V537M, V642M, V611M.
Identifiers: ClinVar variation 1475241 (VCV001475241.6), dbSNP rs2132997717, ClinGen allele CA373425249.
Genomic context (GRCh38, chr9:36,218,285, plus strand): 5'-CAGCTTGGATGAGATGGAGCGCACCCACAGCCTCATCTTTTGGCACTGACATCCCTTCCA[C>T]CAAGAGCAGGTCCTCTGAACAGAGTGAGAAGGAAAAGCAGTCACTAATGAGCTGTGGGGA-3'
Protein context (NP_005467.1, residues 601-621): KKLHDEDLLL[Val611Met]EGMSVPKDEA

ClinVar aggregate classification (germline): Uncertain significance (1 of 4 stars; one submission).

Conditions:
GNE myopathy (NM). Also called: NONAKA DISTAL MYOPATHY; INCLUSION BODY MYOPATHY, HEREDITARY, AUTOSOMAL RECESSIVE; INCLUSION BODY MYOPATHY 2, AUTOSOMAL RECESSIVE; MYOPATHY, DISTAL, WITH OR WITHOUT RIMMED VACUOLES; IBM 2; Inclusion body myopathy autosomal recessive. Identifiers: Orphanet 602, MedGen C1853926, MONDO:0011603, OMIM 605820.
Sialuria. Also called: Sialic Acid Storage Disease; SIALURIA, FRENCH TYPE. Identifiers: Orphanet 3166, MedGen C0342853, MONDO:0010028, OMIM 269921.

Allele frequency attached by ClinVar (database versions not stated): gnomAD exomes below 0.00001.
gnomAD v4.1: 1 of 1,613,570 alleles (0.000062%); highest among the groups gnomAD compares: Non-Finnish European, 0.000085%; no homozygotes.

Submission:

Labcorp Genetics (formerly Invitae), Labcorp
Classification: Uncertain significance for Sialuria; GNE myopathy. Last evaluated: 2023-05-01. Review status: criteria provided, single submitter. Criteria: Invitae Variant Classification Sherloc (09022015). Collection method: clinical testing. Allele origin: germline.
Comment: This variant is not present in population databases (gnomAD no frequency). In summary, the available evidence is currently insufficient to determine the role of this variant in disease. Therefore, it has been classified as a Variant of Uncertain Significance. Advanced modeling of protein sequence and biophysical properties (such as structural, functional, and spatial information, amino acid conservation, physicochemical variation, residue mobility, and thermodynamic stability) has been performed at Invitae for this missense variant, however the output from this modeling did not meet the statistical confidence thresholds required to predict the impact of this variant on GNE protein function. ClinVar contains an entry for this variant (Variation ID: 1475241). This variant has not been reported in the literature in individuals affected with GNE-related conditions. This sequence change replaces valine, which is neutral and non-polar, with methionine, which is neutral and non-polar, at codon 642 of the GNE protein (p.Val642Met).